The following is an entry in ClinVar:

ClinVar aggregate classification (germline): Uncertain significance (1 of 4 stars; one submission).

Conditions:
Arrhythmogenic cardiomyopathy with wooly hair and keratoderma. Also called: PALMOPLANTAR KERATODERMA WITH LEFT VENTRICULAR CARDIOMYOPATHY AND WOOLLY HAIR; Carvajal syndrome; Dilated cardiomyopathy with woolly hair and keratoderma; Arrhythmogenic cardiomyopathy with woolly hair and keratoderma. Identifiers: Orphanet 65282, MedGen C1854063, MONDO:0011581, OMIM 605676.
Arrhythmogenic right ventricular dysplasia 8 (ARVD8). Also called: Arrhythmogenic Right Ventricular Dysplasia/Cardiomyopathy 8; ARRHYTHMOGENIC RIGHT VENTRICULAR DYSPLASIA, FAMILIAL, 8; ARRHYTHMOGENIC RIGHT VENTRICULAR CARDIOMYOPATHY 8. Identifiers: MedGen C1843896, MONDO:0011831, OMIM 607450.

Submission:

Labcorp Genetics (formerly Invitae), Labcorp
Classification: Uncertain significance for Arrhythmogenic cardiomyopathy with wooly hair and keratoderma; Arrhythmogenic right ventricular dysplasia 8. Last evaluated: 2016-09-23. Review status: criteria provided, single submitter. Criteria: Invitae Variant Classification Sherloc (09022015). Collection method: clinical testing. Allele origin: germline.
Comment: In summary, this variant is a novel missense change with uncertain impact on protein function. It has been classified as a Variant of Uncertain Significance. Algorithms developed to predict the effect of missense changes on protein structure and function do not agree on the potential impact of this missense change (SIFT: "Deleterious"; PolyPhen-2: "Benign"; Align-GVGD: "Class C0"). This variant is not present in population databases (ExAC no frequency) and has not been reported in the literature in individuals with a DSP-related disease. This sequence change replaces leucine with phenylalanine at codon 1507 of the DSP protein (p.Leu1507Phe). The leucine residue is highly conserved and there is a small physicochemical difference between leucine and phenylalanine.

NM_004415.4(DSP):c.4521A>T (p.Leu1507Phe)

Gene: DSP (desmoplakin; plus strand). Cytogenetic location: 6p24.3.
Variant type: single nucleotide variant.
Coding change: c.4521A>T on transcript NM_004415.4 (MANE Select); coding-DNA position 4521, A replaced by T.
Protein change: p.Leu1507Phe; replaces leucine 1507 with phenylalanine.
Molecular consequence: missense variant. On other transcripts: intron variant (2).
Genome position (GRCh38, 1-based): chr6:7,580,711, A>T. VCF-style: chr6-7580711-A-T. GRCh37 (hg19) VCF-style: chr6-7580944-A-T.
Other names: c.4521A>T (LRG_423t1); c.4050+471A>T (NM_001319034.2); c.3582+939A>T (NM_001008844.3); short protein forms L1507F.
Identifiers: ClinVar variation 405235 (VCV000405235.9), dbSNP rs1060500611, ClinGen allele CA16612039.
Genomic context (GRCh38, chr6:7,580,711, plus strand): 5'-ACAACTGATCGACAAAGAAACAAATGACCGGAAATGCCTGGAAGATGAAAACGCGAGATT[A>T]CAAAGGGTCCAGTATGACCTGCAGAAAGCAAACAGTAGTGCGACGGAGACAATAAACAAA-3'
Protein context (NP_004406.2, residues 1497-1517): RKCLEDENAR[Leu1507Phe]QRVQYDLQKA